The following is an entry in ClinVar:

NM_006946.4(SPTBN2):c.5056C>T (p.Arg1686Trp)

Gene: SPTBN2 (spectrin beta, non-erythrocytic 2; minus strand). Cytogenetic location: 11q13.2.
Variant type: single nucleotide variant.
Coding change: c.5056C>T on transcript NM_006946.4 (MANE Select); coding-DNA position 5056, C replaced by T.
Protein change: p.Arg1686Trp; replaces arginine 1686 with tryptophan.
Molecular consequence: missense variant.
Genome position (GRCh38, 1-based): chr11:66,692,670, G>A on the plus strand (C>T on the coding strand, the complement: SPTBN2 is on the minus strand). VCF-style: chr11-66692670-G-A. GRCh37 (hg19) VCF-style: chr11-66460141-G-A.
Other names: c.5056C>T (NM_006946.2); short protein forms R1686W.
Identifiers: ClinVar variation 1581864 (VCV001581864.10), dbSNP rs368373337, ClinGen allele CA6128380.
Genomic context (GRCh38, chr11:66,692,670, plus strand): 5'-GGTCATCCAGCTCGCGGCGGAGCTGGCACAGCCGGAGGTGCTCCTGCAGGCGCTCCCGCC[G>A]CTCTCCAGCCAGCTCCTTCAGGCCGGCATACAGCTTGTCCACCTGGGCTTGGCGGATGGA-3'
Protein context (NP_008877.2, residues 1676-1696): YAGLKELAGE[Arg1686Trp]RERLQEHLRL

ClinVar aggregate classification (germline): Likely benign. Review status: criteria provided, single submitter (1 of 4 stars). 2 submissions from 2 submitters: Likely benign (1). 1 of the submissions does not count toward it. Last evaluated 2026-01-14.

Conditions:
SPTBN2-related disorder. Also called: SPTBN2-related condition.

Allele frequency attached by ClinVar (database versions not stated): ESP Exome Variant Server 0.00008; ExAC 0.00080; 1000 Genomes Project 0.00260; 1000 Genomes Project 30x 0.00265.
gnomAD v4.1: 653 of 1,605,486 alleles (0.041%); highest among the groups gnomAD compares: South Asian, 0.53%; 4 homozygotes.

Submissions (2):

Labcorp Genetics (formerly Invitae), Labcorp
Classification: Likely benign. Last evaluated: 2026-01-14. Review status: criteria provided, single submitter. Criteria: Invitae Variant Classification Sherloc (09022015). Collection method: clinical testing. Allele origin: germline.

PreventionGenetics, part of Exact Sciences
Classification: Likely benign for SPTBN2-related condition. Last evaluated: 2019-09-06. Review status: no assertion criteria provided. Collection method: clinical testing. Allele origin: germline. Not counted in ClinVar's aggregate classification.
Comment: This variant is classified as likely benign based on ACMG/AMP sequence variant interpretation guidelines (Richards et al. 2015 PMID: 25741868, with internal and published modifications).